The following is an entry in ClinVar:

NM_001082486.2(ACD):c.1125T>G (p.Phe375Leu)

Gene: ACD (ACD shelterin complex subunit and telomerase recruitment factor; minus strand). Cytogenetic location: 16q22.1.
Variant type: single nucleotide variant.
Coding change: c.1125T>G on transcript NM_001082486.2 (MANE Select); coding-DNA position 1125, T replaced by G.
Protein change: p.Phe375Leu; replaces phenylalanine 375 with leucine.
Molecular consequence: missense variant.
Genome position (GRCh38, 1-based): chr16:67,658,067, A>C on the plus strand (T>G on the coding strand, the complement: ACD is on the minus strand). VCF-style: chr16-67658067-A-C. GRCh37 (hg19) VCF-style: chr16-67691970-A-C.
Other names: c.1116T>G, p.Phe372Leu (NM_022914.3); short protein forms F375L, F372L.
Identifiers: ClinVar variation 1421445 (VCV001421445.8), dbSNP rs772867895, ClinGen allele CA8114437.

ClinVar aggregate classification (germline): Uncertain significance. Review status: criteria provided, multiple submitters, no conflicts (2 of 4 stars). 2 submissions from 2 submitters: Uncertain significance (2). Last evaluated 2025-04-07.

Conditions:
Inborn genetic diseases. Identifiers: MedGen C0950123, MeSH D030342.
Dyskeratosis congenita, autosomal dominant 6 (DKCA6). Identifiers: Orphanet 3322, MedGen C4225284, MONDO:0014690, OMIM 616553.

Allele frequency attached by ClinVar (database versions not stated): gnomAD 0.00001; gnomAD exomes 0.00001; TOPMed 0.00001; ExAC 0.00003.
gnomAD v4.1: 19 of 1,559,264 alleles (0.0012%); highest among the groups gnomAD compares: East Asian, 0.043%; no homozygotes.

Submissions (2):

Labcorp Genetics (formerly Invitae), Labcorp
Classification: Uncertain significance for Dyskeratosis congenita, autosomal dominant 6. Last evaluated: 2025-04-07. Review status: criteria provided, single submitter. Criteria: Invitae Variant Classification Sherloc (09022015). Collection method: clinical testing. Allele origin: germline.
Comment: This sequence change replaces phenylalanine, which is neutral and non-polar, with leucine, which is neutral and non-polar, at codon 461 of the ACD protein (p.Phe461Leu). This variant is present in population databases (rs772867895, gnomAD 0.02%). This variant has not been reported in the literature in individuals affected with ACD-related conditions. ClinVar contains an entry for this variant (Variation ID: 1421445). An algorithm developed to predict the effect of missense changes on protein structure and function (PolyPhen-2) suggests that this variant is likely to be tolerated. In summary, the available evidence is currently insufficient to determine the role of this variant in disease. Therefore, it has been classified as a Variant of Uncertain Significance.

Ambry Genetics
Classification: Uncertain significance for Inborn genetic diseases. Last evaluated: 2024-03-06. Review status: criteria provided, single submitter. Criteria: Ambry Variant Classification Scheme 2023. Collection method: clinical testing. Allele origin: germline.
Comment: The p.F461L variant (also known as c.1383T>G), located in coding exon 10 of the ACD gene, results from a T to G substitution at nucleotide position 1383. The phenylalanine at codon 461 is replaced by leucine, an amino acid with highly similar properties. This amino acid position is conserved. In addition, this alteration is predicted to be tolerated by in silico analysis. Since supporting evidence is limited at this time, the clinical significance of this alteration remains unclear.